The following is an entry in ClinVar:

ClinVar aggregate classification (germline): Uncertain significance. Review status: criteria provided, multiple submitters, no conflicts (2 of 4 stars). 2 submissions from 2 submitters: Uncertain significance (2). Last evaluated 2022-01-11.

Allele frequency attached by ClinVar (database versions not stated): ExAC 0.00001; gnomAD exomes 0.00001; TOPMed 0.00002; 1000 Genomes Project 30x 0.00016.
gnomAD v4.1: 5 of 1,613,926 alleles (0.00031%); highest among the groups gnomAD compares: East Asian, 0.0089%; no homozygotes.

Submissions (2):

Labcorp Genetics (formerly Invitae), Labcorp
Classification: Uncertain significance. Last evaluated: 2022-01-11. Review status: criteria provided, single submitter. Criteria: Invitae Variant Classification Sherloc (09022015). Collection method: clinical testing. Allele origin: germline.
Comment: This sequence change replaces cysteine, which is neutral and slightly polar, with phenylalanine, which is neutral and non-polar, at codon 3425 of the USH2A protein (p.Cys3425Phe). This variant is present in population databases (rs200328442, gnomAD 0.007%). This missense change has been observed in individual(s) with Usher syndrome (PMID: 29625443). Algorithms developed to predict the effect of missense changes on protein structure and function (SIFT, PolyPhen-2, Align-GVGD) all suggest that this variant is likely to be disruptive. In summary, the available evidence is currently insufficient to determine the role of this variant in disease. Therefore, it has been classified as a Variant of Uncertain Significance.

Blueprint Genetics
Classification: Uncertain significance. Last evaluated: 2021-09-10. Review status: criteria provided, single submitter. Criteria: ACMG Guidelines, 2015. Collection method: clinical testing. Allele origin: germline.

Literature cited by the submitters: PubMed 29625443 (cited by Labcorp Genetics (formerly Invitae), Labcorp).

NM_206933.4(USH2A):c.10274G>T (p.Cys3425Phe)

Gene: USH2A (usherin; minus strand). Cytogenetic location: 1q41.
Variant type: single nucleotide variant.
Coding change: c.10274G>T on transcript NM_206933.4 (MANE Select); coding-DNA position 10274, G replaced by T.
Protein change: p.Cys3425Phe; replaces cysteine 3425 with phenylalanine.
Molecular consequence: missense variant.
Genome position (GRCh38, 1-based): chr1:215,786,783, C>A on the plus strand (G>T on the coding strand, the complement: USH2A is on the minus strand). VCF-style: chr1-215786783-C-A. GRCh37 (hg19) VCF-style: chr1-215960125-C-A.
Other names: short protein forms C3425F.
Identifiers: ClinVar variation 2169492 (VCV002169492.2), dbSNP rs200328442, ClinGen allele CA1394062.